The following is an entry in ClinVar:

ClinVar aggregate classification (germline): Pathogenic. Review status: criteria provided, multiple submitters, no conflicts (2 of 4 stars). 6 submissions from 5 submitters: Pathogenic (3). 3 of the submissions do not count toward it. Last evaluated 2025-01-22.

Conditions:
Frontotemporal dementia and/or amyotrophic lateral sclerosis 4. Also called: FTDALS4. Identifiers: Orphanet 275872, MedGen C4225325, MONDO:0014641, OMIM 616439.
Autoinflammation with arthritis and vasculitis. Identifiers: MedGen C5935634, MONDO:0971173, OMIM 620880.
TBK1-related disorder. Also called: TBK1-related condition.

Submissions (6):

Clinical Genetics Laboratory, University Hospital Schleswig-Holstein
Classification: Pathogenic for Frontotemporal dementia and/or amyotrophic lateral sclerosis 4. Last evaluated: 2025-01-22. Review status: criteria provided, single submitter. Criteria: ACMG Guidelines, 2015. Collection method: clinical testing. Allele origin: germline. Affected: yes.
Comment: ACMG criteria applied: PM2, PS4_Moderate, PP1_Supporting, PVS1

Labcorp Genetics (formerly Invitae), Labcorp
Classification: Pathogenic for Frontotemporal dementia and/or amyotrophic lateral sclerosis 4. Last evaluated: 2024-04-25. Review status: criteria provided, single submitter. Criteria: Invitae Variant Classification Sherloc (09022015). Collection method: clinical testing. Allele origin: germline.
Comment: This sequence change creates a premature translational stop signal (p.Arg440*) in the TBK1 gene. It is expected to result in an absent or disrupted protein product. Loss-of-function variants in TBK1 are known to be pathogenic (PMID: 25803835, 26476236, 26581300). This variant is not present in population databases (gnomAD no frequency). This premature translational stop signal has been observed in individual(s) with TBK1-related conditions (PMID: 25803835, 32447396, 33408239). ClinVar contains an entry for this variant (Variation ID: 997032). For these reasons, this variant has been classified as Pathogenic.

Blueprint Genetics
Classification: Pathogenic for TBK1-related disorders. Last evaluated: 2021-03-04. Review status: criteria provided, single submitter. Criteria: ACMG Guidelines, 2015. Collection method: clinical testing. Allele origin: germline. Affected: yes. Observed: 1 variant allele.

Hacettepe Dept. of Bioinformatics Rare Diseases Research Center, Institute of Health Sciences
Classification: Pathogenic for Frontotemporal dementia and/or amyotrophic lateral sclerosis 4. Last evaluated: 2020-02-21. Review status: no assertion criteria provided. Collection method: clinical testing. Allele origin: germline. Inheritance: Autosomal recessive inheritance. Affected: yes. Observed: 1 variant allele, 1 homozygote. Not counted in ClinVar's aggregate classification.
Comment: The heterozygous loss-of-function (LoF) form of p.Arg440Ter (c.1318C>T) mutation in TBK1 was shown on both familial Amyotrophic Lateral Sclerosis (fALS) and ALS-dementia patients (Freischmidt 2015, Le Ber 2015). The p.Arg440Ter mutation was not observed in both gnomAD and our in-house database neither in homozygous nor heterozygous state. In summary, the p.Arg440Ter variant meets our criteria to be classified as pathogenic along with previously published articles.

OMIM
Classification: Pathogenic for FRONTOTEMPORAL DEMENTIA AND/OR AMYOTROPHIC LATERAL SCLEROSIS 4. Last evaluated: 2015-05-01. Review status: no assertion criteria provided. Collection method: literature only. Allele origin: germline. Not counted in ClinVar's aggregate classification.

OMIM
Classification: Pathogenic for AUTOINFLAMMATION WITH ARTHRITIS AND VASCULITIS. Last evaluated: 2015-05-01. Review status: no assertion criteria provided. Collection method: literature only. Allele origin: germline. Not counted in ClinVar's aggregate classification.

Literature cited by the submitters: PubMed 25803835 (cited by 3 submitters); PubMed 26476236 (cited by Labcorp Genetics (formerly Invitae), Labcorp and Hacettepe Dept. of Bioinformatics Rare Diseases Research Center, Institute of Health Sciences); PubMed 26581300 (cited by Labcorp Genetics (formerly Invitae), Labcorp); PubMed 32447396 (cited by 3 submitters); PubMed 33408239 (cited by Labcorp Genetics (formerly Invitae), Labcorp); PubMed 34363755 (cited by OMIM).

NM_013254.4(TBK1):c.1318C>T (p.Arg440Ter)

Gene: TBK1 (TANK binding kinase 1; plus strand). Cytogenetic location: 12q14.2.
Variant type: single nucleotide variant.
Coding change: c.1318C>T on transcript NM_013254.4 (MANE Select); coding-DNA position 1318, C replaced by T.
Protein change: p.Arg440Ter; replaces arginine 440 with a stop codon.
Molecular consequence: nonsense.
Genome position (GRCh38, 1-based): chr12:64,485,995, C>T. VCF-style: chr12-64485995-C-T. GRCh37 (hg19) VCF-style: chr12-64879775-C-T.
Other names: short protein forms R440X, R440*.
Identifiers: ClinVar variation 997032 (VCV000997032.8), dbSNP rs769588220, ClinGen allele CA385601326.